The following is an entry in ClinVar:

NM_002350.4(LYN):c.1001A>T (p.Asp334Val)

Gene: LYN (LYN proto-oncogene, Src family tyrosine kinase; plus strand). Cytogenetic location: 8q12.1.
Variant type: single nucleotide variant.
Coding change: c.1001A>T on transcript NM_002350.4 (MANE Select); coding-DNA position 1001, A replaced by T.
Protein change: p.Asp334Val; replaces aspartic acid 334 with valine.
Molecular consequence: missense variant.
Genome position (GRCh38, 1-based): chr8:55,969,744, A>T. VCF-style: chr8-55969744-A-T. GRCh37 (hg19) VCF-style: chr8-56882303-A-T.
Other names: c.938A>T, p.Asp313Val (NM_001111097.3); short protein forms D313V, D334V.
Identifiers: ClinVar variation 3620428 (VCV003620428.2).

ClinVar aggregate classification (germline): Uncertain significance (1 of 4 stars; one submission).

gnomAD v4.1: 5 of 1,614,074 alleles (0.00031%); highest among the groups gnomAD compares: African/African-American, 0.0067%; no homozygotes.

Submission:

Labcorp Genetics (formerly Invitae), Labcorp
Classification: Uncertain significance. Last evaluated: 2025-06-09. Review status: criteria provided, single submitter. Criteria: Invitae Variant Classification Sherloc (09022015). Collection method: clinical testing. Allele origin: germline.
Comment: This sequence change replaces aspartic acid, which is acidic and polar, with valine, which is neutral and non-polar, at codon 334 of the LYN protein (p.Asp334Val). This variant is present in population databases (rs750361940, gnomAD 0.01%). This variant has not been reported in the literature in individuals affected with LYN-related conditions. ClinVar contains an entry for this variant (Variation ID: 3620428). An algorithm developed to predict the effect of missense changes on protein structure and function (PolyPhen-2) suggests that this variant is likely to be tolerated. In summary, the available evidence is currently insufficient to determine the role of this variant in disease. Therefore, it has been classified as a Variant of Uncertain Significance.